The following is an entry in ClinVar:

ClinVar aggregate classification (germline): Likely benign. Review status: criteria provided, multiple submitters, no conflicts (2 of 4 stars). 2 submissions from 2 submitters: Likely benign (2). Last evaluated 2025-09-14.

Conditions:
Infantile-onset X-linked spinal muscular atrophy. Also called: Spinal muscular atrophy, X-linked 2; AMC, DISTAL, X-LINKED; ARTHROGRYPOSIS, X-LINKED, TYPE I; SPINAL MUSCULAR ATROPHY, X-LINKED LETHAL INFANTILE; Spinal Muscular Atrophy, X-Linked Infantile. Identifiers: Orphanet 1145, MedGen C1844934, MONDO:0010532, OMIM 301830.

Allele frequency attached by ClinVar (database versions not stated): gnomAD exomes 0.00001 and 0.00003; gnomAD 0.00005 and 0.00006; TOPMed 0.00005; ESP Exome Variant Server 0.00009.
gnomAD v4.1: 42 of 1,210,089 alleles (0.0035%); highest among the groups gnomAD compares: Non-Finnish European, 0.0041%; no homozygotes.

Submissions (2):

Labcorp Genetics (formerly Invitae), Labcorp
Classification: Likely benign for Infantile-onset X-linked spinal muscular atrophy. Last evaluated: 2025-09-14. Review status: criteria provided, single submitter. Criteria: Invitae Variant Classification Sherloc (09022015). Collection method: clinical testing. Allele origin: germline.

Mayo Clinic Laboratories, Mayo Clinic
Classification: Likely benign. Last evaluated: 2025-05-09. Review status: criteria provided, single submitter. Criteria: ACMG Guidelines, 2015. Collection method: clinical testing. Allele origin: germline. Observed: 2 variant alleles.
Comment: BP4, BP7

NM_003334.4(UBA1):c.1356C>T (p.Asp452=)

Gene: UBA1 (ubiquitin like modifier activating enzyme 1; plus strand). Cytogenetic location: Xp11.3.
Variant type: single nucleotide variant.
Coding change: c.1356C>T on transcript NM_003334.4 (MANE Select); coding-DNA position 1356, C replaced by T.
Protein change: p.Asp452=; no amino-acid change (aspartic acid 452 retained).
Molecular consequence: synonymous variant.
Genome position (GRCh38, 1-based): chrX:47,203,151, C>T. VCF-style: chrX-47203151-C-T. GRCh37 (hg19) VCF-style: chrX-47062550-C-T.
Other names: p.Asp452=; c.1356C>T, p.Asp452= (NM_153280.3).
Identifiers: ClinVar variation 705095 (VCV000705095.11), dbSNP rs375669736, ClinGen allele CA329035460.